The following is an entry in ClinVar:

ClinVar aggregate classification (germline): Uncertain significance (1 of 4 stars; one submission).

Conditions:
Lymphoproliferative syndrome 1 (LPFS1). Identifiers: Orphanet 238505, Orphanet 538963, MedGen C3552634, MONDO:0013081, OMIM 613011.

gnomAD v4.1: 2 of 1,614,042 alleles (0.00012%); highest among the groups gnomAD compares: South Asian, 0.0011%; no homozygotes.

Submission:

Labcorp Genetics (formerly Invitae), Labcorp
Classification: Uncertain significance for Lymphoproliferative syndrome 1. Last evaluated: 2025-12-15. Review status: criteria provided, single submitter. Criteria: Invitae Variant Classification Sherloc (09022015). Collection method: clinical testing. Allele origin: germline.
Comment: This sequence change replaces arginine, which is basic and polar, with cysteine, which is neutral and slightly polar, at codon 44 of the ITK protein (p.Arg44Cys). This variant is present in population databases (rs774659403, gnomAD 0.003%). This variant has not been reported in the literature in individuals affected with ITK-related conditions. Invitae Evidence Modeling of protein sequence and biophysical properties (such as structural, functional, and spatial information, amino acid conservation, physicochemical variation, residue mobility, and thermodynamic stability) indicates that this missense variant is not expected to disrupt ITK protein function with a negative predictive value of 95%. In summary, the available evidence is currently insufficient to determine the role of this variant in disease. Therefore, it has been classified as a Variant of Uncertain Significance.

NM_005546.4(ITK):c.130C>T (p.Arg44Cys)

Gene: ITK (IL2 inducible T cell kinase; plus strand). Cytogenetic location: 5q33.3.
Variant type: single nucleotide variant.
Coding change: c.130C>T on transcript NM_005546.4 (MANE Select); coding-DNA position 130, C replaced by T.
Protein change: p.Arg44Cys; replaces arginine 44 with cysteine.
Molecular consequence: missense variant.
Genome position (GRCh38, 1-based): chr5:157,181,107, C>T. VCF-style: chr5-157181107-C-T. GRCh37 (hg19) VCF-style: chr5-156608118-C-T.
Other names: short protein forms R44C.
Identifiers: ClinVar variation 4807154 (VCV004807154.1).